The following is an entry in ClinVar:

NM_024649.5(BBS1):c.699C>T (p.Pro233=)

Gene: BBS1 (Bardet-Biedl syndrome 1; plus strand). Cytogenetic location: 11q13.2.
Variant type: single nucleotide variant.
Coding change: c.699C>T on transcript NM_024649.5 (MANE Select); coding-DNA position 699, C replaced by T.
Protein change: p.Pro233=; no amino-acid change (proline 233 retained).
Molecular consequence: synonymous variant.
Genome position (GRCh38, 1-based): chr11:66,519,724, C>T. VCF-style: chr11-66519724-C-T. GRCh37 (hg19) VCF-style: chr11-66287195-C-T.
Other names: c.699C>T (NM_024649.4).
Identifiers: ClinVar variation 1543994 (VCV001543994.9), dbSNP rs777250313, ClinGen allele CA6123445.

ClinVar aggregate classification (germline): Likely benign. Review status: criteria provided, single submitter (1 of 4 stars). 2 submissions from 2 submitters: Likely benign (1). 1 of the submissions does not count toward it. Last evaluated 2023-12-22.

Conditions:
BBS1-related disorder. Also called: BBS1-related condition.
Bardet-Biedl syndrome (BBS). Identifiers: Orphanet 110, MedGen C0752166, MONDO:0015229.

Allele frequency attached by ClinVar (database versions not stated): ExAC 0.00001; gnomAD 0.00001; gnomAD exomes 0.00001.

Submissions (2):

Labcorp Genetics (formerly Invitae), Labcorp
Classification: Likely benign for Bardet-Biedl syndrome. Last evaluated: 2023-12-22. Review status: criteria provided, single submitter. Criteria: Invitae Variant Classification Sherloc (09022015). Collection method: clinical testing. Allele origin: germline.

PreventionGenetics, part of Exact Sciences
Classification: Likely benign for BBS1-related condition. Last evaluated: 2022-04-27. Review status: no assertion criteria provided. Collection method: clinical testing. Allele origin: germline. Not counted in ClinVar's aggregate classification.
Comment: This variant is classified as likely benign based on ACMG/AMP sequence variant interpretation guidelines (Richards et al. 2015 PMID: 25741868, with internal and published modifications).